The following is an entry in ClinVar:

ClinVar aggregate classification (germline): Benign/Likely benign. Review status: criteria provided, multiple submitters, no conflicts (2 of 4 stars). 8 submissions from 8 submitters: Benign (6); Likely benign (1). 1 of the submissions does not count toward it. Last evaluated 2026-01-18.

Conditions:
MYLK2-related disorder. Also called: MYLK2-related condition.
Cardiomyopathy (CMYO). Also called: Cardiomyopathies. Identifiers: Orphanet 167848, MedGen C0878544, MONDO:0004994, HP:0001638. Inheritance: Various modes of inheritance.
Hypertrophic cardiomyopathy 1 (CMH1). Also called: MYH7-Related Familial Hypertrophic Cardiomyopathy; Familial hypertrophic cardiomyopathy 1. Identifiers: MedGen C3495498, MONDO:0008647, OMIM 192600.

Allele frequency attached by ClinVar (database versions not stated): ESP Exome Variant Server 0.00008; gnomAD 0.00035 and 0.00055; 1000 Genomes Project 30x 0.00250; gnomAD exomes 0.00058 and 0.00131; ExAC 0.00109; TOPMed 0.00067; 1000 Genomes Project 0.00260.
gnomAD v4.1: 920 of 1,614,056 alleles (0.057%); highest among the groups gnomAD compares: East Asian, 1.9%; 7 homozygotes.

Submissions (8):

Labcorp Genetics (formerly Invitae), Labcorp
Classification: Benign for Hypertrophic cardiomyopathy 1. Last evaluated: 2026-01-18. Review status: criteria provided, single submitter. Criteria: Invitae Variant Classification Sherloc (09022015). Collection method: clinical testing. Allele origin: germline.

Women's Health and Genetics/Laboratory Corporation of America, LabCorp
Classification: Benign. Last evaluated: 2023-05-17. Review status: criteria provided, single submitter. Criteria: LabCorp Variant Classification Summary - May 2015. Collection method: clinical testing. Allele origin: germline.
Comment: Variant summary: MYLK2 c.549C>T results in a synonymous change. The variant allele was found at a frequency of 0.0013 in 251068 control chromosomes, predominantly at a frequency of 0.017 within the East Asian subpopulation in the gnomAD database, including 4 homozygotes. The observed variant frequency within East Asian control individuals in the gnomAD database is approximately 700 fold of the estimated maximal expected allele frequency for a pathogenic variant in MYLK2 causing Hypertrophic Cardiomyopathy phenotype (2.5e-05), strongly suggesting that the variant is a benign polymorphism found primarily in populations of East Asian origin. To our knowledge, no occurrence of c.549C>T in individuals affected with Hypertrophic Cardiomyopathy and no experimental evidence demonstrating its impact on protein function have been reported. Four clinical diagnostic laboratories have submitted clinical-significance assessments for this variant to ClinVar after 2014 classified the variant as benign/likely benign. Based on the evidence outlined above, the variant was classified as benign.

Ambry Genetics
Classification: Likely benign. Last evaluated: 2022-05-24. Review status: criteria provided, single submitter. Criteria: Ambry Variant Classification Scheme 2023. Collection method: clinical testing. Allele origin: germline.

GeneDx
Classification: Benign. Last evaluated: 2018-02-05. Review status: criteria provided, single submitter. Criteria: GeneDx Variant Classification (06012015). Collection method: clinical testing. Allele origin: germline. Affected: yes.
Comment: This variant is considered likely benign or benign based on one or more of the following criteria: it is a conservative change, it occurs at a poorly conserved position in the protein, it is predicted to be benign by multiple in silico algorithms, and/or has population frequency not consistent with disease.

CHEO Genetics Diagnostic Laboratory, Children's Hospital of Eastern Ontario
Classification: Benign for Cardiomyopathy. Last evaluated: 2016-01-19. Review status: criteria provided, single submitter. Criteria: ACMG Guidelines, 2015. Collection method: clinical testing. Allele origin: germline. Study: Canadian Open Genetics Repository.

Laboratory for Molecular Medicine, Mass General Brigham Personalized Medicine
Classification: Benign. Last evaluated: 2012-06-01. Review status: criteria provided, single submitter. Criteria: LMM Criteria. Collection method: clinical testing. Allele origin: germline. Observed: 3 variant alleles.
Comment: 2.5% (18/734) Asian alleles from JBIC-allele - East Asian population in dbSNP

Breakthrough Genomics
Classification: Benign. Review status: criteria provided, single submitter. Criteria: ACMG Guidelines, 2015. Collection method: not provided. Allele origin: germline. Inheritance: Autosomal dominant inheritance. Affected: yes.

PreventionGenetics, part of Exact Sciences
Classification: Likely benign for MYLK2-related condition. Last evaluated: 2024-08-19. Review status: no assertion criteria provided. Collection method: clinical testing. Allele origin: germline. Not counted in ClinVar's aggregate classification.
Comment: This variant is classified as likely benign based on ACMG/AMP sequence variant interpretation guidelines (Richards et al. 2015 PMID: 25741868, with internal and published modifications).

NM_033118.4(MYLK2):c.549C>T (p.His183=)

Gene: MYLK2 (myosin light chain kinase 2; plus strand). Cytogenetic location: 20q11.21.
Variant type: single nucleotide variant.
Coding change: c.549C>T on transcript NM_033118.4 (MANE Select); coding-DNA position 549, C replaced by T.
Protein change: p.His183=; no amino-acid change (histidine 183 retained).
Molecular consequence: synonymous variant.
Genome position (GRCh38, 1-based): chr20:31,821,514, C>T. VCF-style: chr20-31821514-C-T. GRCh37 (hg19) VCF-style: chr20-30409317-C-T.
Identifiers: ClinVar variation 46527 (VCV000046527.22), dbSNP rs3746597, ClinGen allele CA138540.